The following is an entry in ClinVar:

NM_000246.4(CIITA):c.2063G>A (p.Trp688Ter)

Gene: CIITA (class II major histocompatibility complex transactivator; plus strand). Cytogenetic location: 16p13.13.
Variant type: single nucleotide variant.
Coding change: c.2063G>A on transcript NM_000246.4 (MANE Select); coding-DNA position 2063, G replaced by A.
Protein change: p.Trp688Ter; replaces tryptophan 688 with a stop codon.
Molecular consequence: nonsense. On other transcripts: intron variant (1).
Genome position (GRCh38, 1-based): chr16:10,907,555, G>A. VCF-style: chr16-10907555-G-A. GRCh37 (hg19) VCF-style: chr16-11001412-G-A.
Other names: 2178G-A; c.2066G>A, p.Trp689Ter (NM_001286402.1, NM_001379332.1); c.1919G>A, p.Trp640Ter (NM_001379330.1); c.1916G>A, p.Trp639Ter (NM_001379331.1); c.2063G>A, p.Trp688Ter (NM_001379333.1); c.1994G>A, p.Trp665Ter (NM_001379334.1); c.860-1428G>A (NM_001286403.2); short protein forms W688*, W689*, W639*, W640*, W665*.
Identifiers: ClinVar variation 9543 (VCV000009543.6), dbSNP rs863223293, ClinGen allele CA278871.
Genomic context (GRCh38, chr16:10,907,555, plus strand): 5'-GCCGCAGACATCAAAGTACCCTACAGGAGGACCAGTTCCCATCCGCAGACGTGAGGACCT[G>A]GGCGATGGCCAAAGGCTTAGTCCAACACCCACCGCGGGCCGCAGAGTCCGAGCTGGCCTT-3'

ClinVar aggregate classification (germline): Pathogenic. Review status: criteria provided, multiple submitters, no conflicts (2 of 4 stars). 3 submissions from 3 submitters: Pathogenic (2). 1 of the submissions does not count toward it. Last evaluated 2025-06-17.

Conditions:
MHC class II deficiency 1 (MHC2D1). Also called: BARE LYMPHOCYTE SYNDROME, TYPE II, COMPLEMENTATION GROUP A; SCID, HLA CLASS II-NEGATIVE; Bare lymphocyte syndrome type 2, complementation group A. Identifiers: MedGen C1859534, MONDO:0971005, OMIM 209920.
MHC class II deficiency. Also called: BLS, TYPE II; Bare lymphocyte syndrome 2. Identifiers: Orphanet 572, MedGen C5447452, MONDO:0008855.

Submissions (3):

Labcorp Genetics (formerly Invitae), Labcorp
Classification: Pathogenic for MHC class II deficiency. Last evaluated: 2025-06-17. Review status: criteria provided, single submitter. Criteria: Invitae Variant Classification Sherloc (09022015). Collection method: clinical testing. Allele origin: germline.
Comment: This sequence change creates a premature translational stop signal (p.Trp688*) in the CIITA gene. It is expected to result in an absent or disrupted protein product. Loss-of-function variants in CIITA are known to be pathogenic (PMID: 8402893, 9099848, 26271388). This variant is not present in population databases (gnomAD no frequency). This premature translational stop signal has been observed in individual(s) with CIITA-related conditions (PMID: 11862382). This variant is also known as c.2178G>A. ClinVar contains an entry for this variant (Variation ID: 9543). For these reasons, this variant has been classified as Pathogenic.

Natera, Inc.
Classification: Pathogenic for Bare lymphocyte syndrome type II. Last evaluated: 2024-11-26. Review status: criteria provided, single submitter. Criteria: Natera Variant Classification Schema (03/2026). Collection method: clinical testing. Allele origin: germline.
Comment: The c.2063G>A variant in CIITA is a nonsense variant predicted to introduce a stop codon at amino acid 688. This variant is expected to result in nonsense mediated decay, truncation, or a dysfunctional protein product. This variant is rare in the general population with a frequency below the threshold expected for the associated phenotype(s). Functional studies show that this variant may disrupt protein function (PMID: 11862382). Given the available evidence, this variant is classified as Pathogenic.

OMIM
Classification: Pathogenic for MHC CLASS II DEFICIENCY 1. Last evaluated: 2002-02-01. Review status: no assertion criteria provided. Collection method: literature only. Allele origin: germline. Not counted in ClinVar's aggregate classification.

Literature cited by the submitters: PubMed 8402893 (cited by Labcorp Genetics (formerly Invitae), Labcorp); PubMed 9099848 (cited by Labcorp Genetics (formerly Invitae), Labcorp); PubMed 26271388 (cited by Labcorp Genetics (formerly Invitae), Labcorp); PubMed 11862382 (cited by 3 submitters).